The following is an entry in ClinVar:

ClinVar aggregate classification (germline): Conflicting classifications of pathogenicity. Review status: criteria provided, conflicting classifications (1 of 4 stars). 4 submissions from 4 submitters: Uncertain significance (3); Likely benign (1). Last evaluated 2026-03-26.

Conditions:
Neurodevelopmental disorder with cerebellar atrophy and with or without seizures. Identifiers: MedGen C4748032, MONDO:0020841, OMIM 618056.
Inborn genetic diseases. Identifiers: MedGen C0950123, MeSH D030342.
Neonatal-onset encephalopathy with rigidity and seizures. Also called: Lethal neonatal spasticity-epileptic encephalopathy syndrome. Identifiers: Orphanet 435845, MedGen C3281029, MONDO:0013784, OMIM 614498.

Allele frequency attached by ClinVar (database versions not stated): 1000 Genomes Project 0.00020; 1000 Genomes Project 30x 0.00031; ExAC 0.00005; TOPMed below 0.00001; gnomAD 0.00004.
gnomAD v4.1: 32 of 1,599,058 alleles (0.002%); highest among the groups gnomAD compares: Admixed American, 0.014%; no homozygotes.

Submissions (4):

Centre for Medical Genetics,  Mumbai
Classification: Likely benign for Neurodevelopmental disorder with cerebellar atrophy and with or without seizures. Last evaluated: 2026-03-26. Review status: criteria provided, single submitter. Criteria: ACMG Guidelines, 2015. Collection method: provider interpretation. Allele origin: germline. Inheritance: Autosomal recessive inheritance. Affected: no. Observed: 1 variant allele, 1 homozygote.
Comment: The variant satisfies PM2 criteria; Extremely low frequency in gnomAD population databases. The variant satisfies BP4 criteria; For a missense or a splice region variant, computational prediction tools unanimously support a benign effect on the gene. However, the variant satisfies BS2 criteria; present in homozygous state in an individual that clinically does not have Neurodevelopmental disorder with cerebellar atrophy and with or without seizures.

Ambry Genetics
Classification: Uncertain significance for Inborn genetic diseases. Last evaluated: 2023-08-08. Review status: criteria provided, single submitter. Criteria: Ambry Variant Classification Scheme 2023. Collection method: clinical testing. Allele origin: germline.

Labcorp Genetics (formerly Invitae), Labcorp
Classification: Uncertain significance for Neonatal-onset encephalopathy with rigidity and seizures. Last evaluated: 2022-05-17. Review status: criteria provided, single submitter. Criteria: Invitae Variant Classification Sherloc (09022015). Collection method: clinical testing. Allele origin: germline.
Comment: This sequence change replaces serine, which is neutral and polar, with leucine, which is neutral and non-polar, at codon 404 of the BRAT1 protein (p.Ser404Leu). This variant is present in population databases (rs538629958, gnomAD 0.009%). This variant has not been reported in the literature in individuals affected with BRAT1-related conditions. Algorithms developed to predict the effect of missense changes on protein structure and function output the following: SIFT: "Tolerated"; PolyPhen-2: "Benign"; Align-GVGD: "Class C0". The leucine amino acid residue is found in multiple mammalian species, which suggests that this missense change does not adversely affect protein function. In summary, the available evidence is currently insufficient to determine the role of this variant in disease. Therefore, it has been classified as a Variant of Uncertain Significance.

GeneDx
Classification: Uncertain significance. Last evaluated: 2022-05-06. Review status: criteria provided, single submitter. Criteria: GeneDx Variant Classification Process June 2021. Collection method: clinical testing. Allele origin: germline. Affected: yes.
Comment: Not observed at significant frequency in large population cohorts (gnomAD); In silico analysis supports that this missense variant does not alter protein structure/function; Has not been previously published as pathogenic or benign to our knowledge

Literature cited by the submitters: PubMed 26483087 (cited by Centre for Medical Genetics,  Mumbai).

NM_152743.4(BRAT1):c.1211C>T (p.Ser404Leu)

Gene: BRAT1 (BRCA1 associated ATM activator 1; minus strand). Cytogenetic location: 7p22.3.
Variant type: single nucleotide variant.
Coding change: c.1211C>T on transcript NM_152743.4 (MANE Select); coding-DNA position 1211, C replaced by T.
Protein change: p.Ser404Leu; replaces serine 404 with leucine.
Molecular consequence: missense variant. On other transcripts: non-coding transcript variant (1).
Genome position (GRCh38, 1-based): chr7:2,541,408, G>A on the plus strand (C>T on the coding strand, the complement: BRAT1 is on the minus strand). VCF-style: chr7-2541408-G-A. GRCh37 (hg19) VCF-style: chr7-2581042-G-A.
Other names: c.1211C>T, p.Ser404Leu (NM_001350626.2); c.686C>T, p.Ser229Leu (NM_001350627.2); short protein forms S229L, S404L.
Identifiers: ClinVar variation 1722961 (VCV001722961.7), dbSNP rs538629958, ClinGen allele CA4127880.
Genomic context (GRCh38, chr7:2,541,408, plus strand): 5'-CGGACGCAGCCCGCCAGGGTCCCACAGAGGTGGCCCCCCACACTGGAGGCAGGGGCAGCC[G>A]AGCCGTCACAGAGCCGCAGGACAGTCACTGTAGCCCCCAGTAGAGACGCCTGGGGCCACG-3'
Protein context (NP_689956.2, residues 394-414): TVTVLRLCDG[Ser404Leu]AAPASSVGGH